The following is an entry in ClinVar:

NM_014727.3(KMT2B):c.6079_6080inv (p.Glu2027Ser)

Gene: KMT2B (lysine methyltransferase 2B; plus strand). Cytogenetic location: 19q13.12.
Variant type: Inversion.
Coding change: c.6079_6080inv on transcript NM_014727.3 (MANE Select).
Protein change: p.Glu2027Ser; replaces glutamic acid 2027 with serine.
Molecular consequence: missense variant.
Genome position: GRCh38 VCF-style: chr19-35732628-GA-TC. GRCh37 (hg19) VCF-style: chr19-36223529-GA-TC.
Other names: short protein forms E2027S.
Identifiers: ClinVar variation 3616469 (VCV003616469.2).

ClinVar aggregate classification (germline): Uncertain significance (1 of 4 stars; one submission).

Submission:

Labcorp Genetics (formerly Invitae), Labcorp
Classification: Uncertain significance. Last evaluated: 2025-06-12. Review status: criteria provided, single submitter. Criteria: Invitae Variant Classification Sherloc (09022015). Collection method: clinical testing. Allele origin: germline.
Comment: This sequence change replaces glutamic acid, which is acidic and polar, with serine, which is neutral and polar, at codon 2027 of the KMT2B protein (p.Glu2027Ser). Information on the frequency of this variant in the gnomAD database is not available, as this variant may be reported differently in the database. This variant has not been reported in the literature in individuals affected with KMT2B-related conditions. ClinVar contains an entry for this variant (Variation ID: 3616469). Experimental studies and prediction algorithms are not available or were not evaluated, and the functional significance of this variant is currently unknown. In summary, the available evidence is currently insufficient to determine the role of this variant in disease. Therefore, it has been classified as a Variant of Uncertain Significance.